The following is an entry in ClinVar:

ClinVar aggregate classification (germline): Benign/Likely benign. Review status: criteria provided, multiple submitters, no conflicts (2 of 4 stars). 3 submissions from 3 submitters: Benign (1); Likely benign (1). 1 of the submissions does not count toward it. Last evaluated 2022-10-01.

Conditions:
DCPS-related disorder. Also called: DCPS-related condition.

Allele frequency attached by ClinVar (database versions not stated): gnomAD exomes 0.00009 and 0.00034; gnomAD 0.00011 and 0.00013; TOPMed 0.00015; ExAC 0.00031; 1000 Genomes Project 30x 0.00047; 1000 Genomes Project 0.00060.
gnomAD v4.1: 156 of 1,614,148 alleles (0.0097%); highest among the groups gnomAD compares: East Asian, 0.21%; no homozygotes.

Submissions (3):

CeGaT Center for Human Genetics Tuebingen
Classification: Likely benign. Last evaluated: 2022-10-01. Review status: criteria provided, single submitter. Criteria: CeGaT Center For Human Genetics Tuebingen Variant Classification Criteria Version 2. Collection method: clinical testing. Allele origin: germline. Affected: yes. Observed: 1 variant allele.
Comment: DCPS: BP4, BP7

Labcorp Genetics (formerly Invitae), Labcorp
Classification: Benign. Last evaluated: 2019-12-31. Review status: criteria provided, single submitter. Criteria: Invitae Variant Classification Sherloc (09022015). Collection method: clinical testing. Allele origin: germline.

PreventionGenetics, part of Exact Sciences
Classification: Likely benign for DCPS-related condition. Last evaluated: 2019-04-04. Review status: no assertion criteria provided. Collection method: clinical testing. Allele origin: germline. Not counted in ClinVar's aggregate classification.
Comment: This variant is classified as likely benign based on ACMG/AMP sequence variant interpretation guidelines (Richards et al. 2015 PMID: 25741868, with internal and published modifications).

NM_014026.6(DCPS):c.558G>A (p.Ala186=)

Gene: DCPS (decapping enzyme, scavenger; plus strand). Cytogenetic location: 11q24.2.
Variant type: single nucleotide variant.
Coding change: c.558G>A on transcript NM_014026.6 (MANE Select); coding-DNA position 558, G replaced by A.
Protein change: p.Ala186=; no amino-acid change (alanine 186 retained).
Molecular consequence: synonymous variant.
Genome position (GRCh38, 1-based): chr11:126,338,321, G>A. VCF-style: chr11-126338321-G-A. GRCh37 (hg19) VCF-style: chr11-126208216-G-A.
Other names: c.579G>A, p.Ala193= (NM_001350236.2).
Identifiers: ClinVar variation 712729 (VCV000712729.29), dbSNP rs188471699, ClinGen allele CA6355041.